The following is an entry in ClinVar:

NM_002519.3(NPAT):c.2227A>C (p.Ile743Leu)

Gene: NPAT (nuclear protein, coactivator of histone transcription; minus strand). Cytogenetic location: 11q22.3.
Variant type: single nucleotide variant.
Coding change: c.2227A>C on transcript NM_002519.3 (MANE Select); coding-DNA position 2227, A replaced by C.
Protein change: p.Ile743Leu; replaces isoleucine 743 with leucine.
Molecular consequence: missense variant.
Genome position (GRCh38, 1-based): chr11:108,172,757, T>G on the plus strand (A>C on the coding strand, the complement: NPAT is on the minus strand). VCF-style: chr11-108172757-T-G. GRCh37 (hg19) VCF-style: chr11-108043484-T-G.
Other names: c.2227A>C, p.Ile743Leu (NM_001321307.1); short protein forms I743L.
Identifiers: ClinVar variation 1788009 (VCV001788009.2), dbSNP rs2077965277, ClinGen allele CA382513420.

ClinVar aggregate classification (germline): Uncertain significance (1 of 4 stars; one submission).

Submission:

Ambry Genetics
Classification: Uncertain significance. Last evaluated: 2022-03-24. Review status: criteria provided, single submitter. Criteria: Ambry Variant Classification Scheme 2023. Collection method: clinical testing. Allele origin: germline.
Comment: The p.I743L variant (also known as c.2227A>C), located in coding exon 13 of the NPAT gene, results from an A to C substitution at nucleotide position 2227. The isoleucine at codon 743 is replaced by leucine, an amino acid with highly similar properties. This amino acid position is conserved. In addition, this alteration is predicted to be tolerated by in silico analysis. Since supporting evidence is limited at this time, the clinical significance of this alteration remains unclear.